The following is an entry in ClinVar:

NM_007194.4(CHEK2):c.320A>G (p.Glu107Gly)

Gene: CHEK2 (checkpoint kinase 2; minus strand). Cytogenetic location: 22q12.1.
Variant type: single nucleotide variant.
Coding change: c.320A>G on transcript NM_007194.4 (MANE Select); coding-DNA position 320, A replaced by G.
Protein change: p.Glu107Gly; replaces glutamic acid 107 with glycine.
Molecular consequence: missense variant.
Genome position (GRCh38, 1-based): chr22:28,725,367, T>C on the plus strand (A>G on the coding strand, the complement: CHEK2 is on the minus strand). VCF-style: chr22-28725367-T-C. GRCh37 (hg19) VCF-style: chr22-29121355-T-C.
Other names: c.449A>G, p.Lys150Arg (NM_001005735.3); c.-458A>G (NM_001257387.3); c.320A>G, p.Glu107Gly (NM_001349956.3, NM_145862.3); short protein forms E107G, K150R.
Identifiers: ClinVar variation 573266 (VCV000573266.15), dbSNP rs1569159156, ClinGen allele CA411108302.

ClinVar aggregate classification (germline): Uncertain significance. Review status: criteria provided, multiple submitters, no conflicts (2 of 4 stars). 2 submissions from 2 submitters: Uncertain significance (2). Last evaluated 2025-10-23.

Conditions:
Familial cancer of breast. Also called: hereditary breast carcinoma; BREAST CANCER, FAMILIAL; Hereditary breast cancer. Identifiers: Orphanet 227535, MedGen C0346153, MONDO:0016419, OMIM 114480. Disease mechanism: loss of function.
Hereditary cancer-predisposing syndrome. Also called: Neoplastic Syndromes, Hereditary; Hereditary Cancer Syndrome; Tumor predisposition; Hereditary neoplastic syndrome. Identifiers: Orphanet 140162, MedGen C0027672, MeSH D009386, MONDO:0015356.

Submissions (2):

Ambry Genetics
Classification: Uncertain significance for Hereditary cancer-predisposing syndrome. Last evaluated: 2025-10-23. Review status: criteria provided, single submitter. Criteria: Ambry Variant Classification Scheme 2023. Collection method: clinical testing. Allele origin: germline.
Comment: The p.E107G variant (also known as c.320A>G) is located in coding exon 2 of the CHEK2 gene. The glutamic acid at codon 107 is replaced by glycine, an amino acid with similar properties. This change occurs in the first base pair of coding exon 2. This amino acid position is not well conserved in available vertebrate species. In addition, the in silico prediction for this alteration is inconclusive. Since supporting evidence is limited at this time, the clinical significance of this alteration remains unclear.

Labcorp Genetics (formerly Invitae), Labcorp
Classification: Uncertain significance for Familial cancer of breast. Last evaluated: 2020-09-21. Review status: criteria provided, single submitter. Criteria: Invitae Variant Classification Sherloc (09022015). Collection method: clinical testing. Allele origin: germline.
Comment: In summary, the available evidence is currently insufficient to determine the role of this variant in disease. Therefore, it has been classified as a Variant of Uncertain Significance. Algorithms developed to predict the effect of missense changes on protein structure and function (SIFT, PolyPhen-2, Align-GVGD) all suggest that this variant is likely to be tolerated, but these predictions have not been confirmed by published functional studies and their clinical significance is uncertain. This variant has not been reported in the literature in individuals with CHEK2-related conditions. ClinVar contains an entry for this variant (Variation ID: 573266). This variant is not present in population databases (ExAC no frequency). This sequence change replaces glutamic acid with glycine at codon 107 of the CHEK2 protein (p.Glu107Gly). The glutamic acid residue is weakly conserved and there is a moderate physicochemical difference between glutamic acid and glycine.